The following is an entry in ClinVar:

NM_032608.7(MYO18B):c.2932C>A (p.Leu978Met)

Gene: MYO18B (myosin XVIIIB; plus strand). Cytogenetic location: 22q12.1.
Variant type: single nucleotide variant.
Coding change: c.2932C>A on transcript NM_032608.7 (MANE Select); coding-DNA position 2932, C replaced by A.
Protein change: p.Leu978Met; replaces leucine 978 with methionine.
Molecular consequence: missense variant.
Genome position (GRCh38, 1-based): chr22:25,828,921, C>A. VCF-style: chr22-25828921-C-A. GRCh37 (hg19) VCF-style: chr22-26224888-C-A.
Other names: c.2932C>A, p.Leu978Met (NM_001318245.2); c.2932C>A (NM_032608.5, NM_032608.6); short protein forms L978M.
Identifiers: ClinVar variation 1424627 (VCV001424627.6), dbSNP rs942912882, ClinGen allele CA322792228.

ClinVar aggregate classification (germline): Uncertain significance. Review status: criteria provided, multiple submitters, no conflicts (2 of 4 stars). 3 submissions from 3 submitters: Uncertain significance (3). Last evaluated 2025-12-22.

Conditions:
MYO18B-related disorder. Also called: MYO18B-related condition.
Inborn genetic diseases. Identifiers: MedGen C0950123, MeSH D030342.

Allele frequency attached by ClinVar (database versions not stated): gnomAD 0.00002; gnomAD exomes 0.00002 and 0.00004; TOPMed 0.00005.
gnomAD v4.1: 57 of 1,613,890 alleles (0.0035%); highest among the groups gnomAD compares: Non-Finnish European, 0.0047%; no homozygotes.

Submissions (3):

PreventionGenetics, part of Exact Sciences
Classification: Uncertain significance for MYO18B-related condition. Last evaluated: 2025-12-22. Review status: criteria provided, single submitter. Criteria: ACMG Guidelines, 2015. Collection method: clinical testing. Allele origin: germline.
Comment: The MYO18B c.2932C>A variant is predicted to result in the amino acid substitution p.Leu978Met. To our knowledge, this variant has not been reported in the literature. This variant is reported in 0.0062% of alleles in individuals of European (Non-Finnish) descent in gnomAD. At this time, the clinical significance of this variant is uncertain due to the absence of conclusive functional and genetic evidence.

Ambry Genetics
Classification: Uncertain significance for Inborn genetic diseases. Last evaluated: 2025-08-11. Review status: criteria provided, single submitter. Criteria: Ambry Variant Classification Scheme 2023. Collection method: clinical testing. Allele origin: germline.

Labcorp Genetics (formerly Invitae), Labcorp
Classification: Uncertain significance. Last evaluated: 2022-07-11. Review status: criteria provided, single submitter. Criteria: Invitae Variant Classification Sherloc (09022015). Collection method: clinical testing. Allele origin: germline.
Comment: This sequence change replaces leucine, which is neutral and non-polar, with methionine, which is neutral and non-polar, at codon 978 of the MYO18B protein (p.Leu978Met). This variant is present in population databases (no rsID available, gnomAD 0.006%). This variant has not been reported in the literature in individuals affected with MYO18B-related conditions. ClinVar contains an entry for this variant (Variation ID: 1424627). Algorithms developed to predict the effect of missense changes on protein structure and function are either unavailable or do not agree on the potential impact of this missense change (SIFT: "Not Available"; PolyPhen-2: "Probably Damaging"; Align-GVGD: "Not Available"). In summary, the available evidence is currently insufficient to determine the role of this variant in disease. Therefore, it has been classified as a Variant of Uncertain Significance.